The following is an entry in ClinVar:

NM_001394390.1(STON2):c.2710G>A (p.Val904Met)

Gene: STON2 (stonin 2; minus strand). Cytogenetic location: 14q31.1.
Variant type: single nucleotide variant.
Coding change: c.2710G>A on transcript NM_001394390.1 (MANE Select); coding-DNA position 2710, G replaced by A.
Protein change: p.Val904Met; replaces valine 904 with methionine.
Molecular consequence: missense variant.
Genome position (GRCh38, 1-based): chr14:81,270,744, C>T on the plus strand (G>A on the coding strand, the complement: STON2 is on the minus strand). VCF-style: chr14-81270744-C-T. GRCh37 (hg19) VCF-style: chr14-81737088-C-T.
Other names: NM_033104.2:c.2539G>A; c.2539G>A, p.Val847Met (NM_001256430.3, NM_001366850.2); c.2710G>A, p.Val904Met (NM_001366849.2); short protein forms V847M, V904M.
Identifiers: ClinVar variation 4865221 (VCV004865221.1).

ClinVar aggregate classification (germline): Uncertain significance (1 of 4 stars; one submission).

gnomAD v4.1: 4 of 1,614,146 alleles (0.00025%); highest among the groups gnomAD compares: South Asian, 0.0011%; no homozygotes.

Submission:

Ambry Genetics
Classification: Uncertain significance. Last evaluated: 2026-04-15. Review status: criteria provided, single submitter. Criteria: Ambry Variant Classification Scheme 2023. Collection method: clinical testing. Allele origin: germline.
Comment: The c.2539G>A (p.V847M) alteration is located in exon 5 (coding exon 5) of the STON2 gene. This alteration results from a G to A substitution at nucleotide position 2539, causing the valine (V) at amino acid position 847 to be replaced by a methionine (M). Based on data from gnomAD, the A allele has an overall frequency of <0.001% (1/251476) total alleles studied. The highest observed frequency was 0.001% (1/113752) of European (non-Finnish) alleles. Based on insufficient or conflicting evidence, the clinical significance of this alteration remains unclear.